The following is an entry in ClinVar:

NM_015065.3(EXPH5):c.1402C>T (p.Arg468Ter)

Gene: EXPH5 (exophilin 5; minus strand). Cytogenetic location: 11q22.3.
Variant type: single nucleotide variant.
Coding change: c.1402C>T on transcript NM_015065.3 (MANE Select); coding-DNA position 1402, C replaced by T.
Protein change: p.Arg468Ter; replaces arginine 468 with a stop codon.
Molecular consequence: nonsense.
Genome position (GRCh38, 1-based): chr11:108,514,105, G>A on the plus strand (C>T on the coding strand, the complement: EXPH5 is on the minus strand). VCF-style: chr11-108514105-G-A. GRCh37 (hg19) VCF-style: chr11-108384832-G-A.
Other names: c.1174C>T, p.Arg392Ter (NM_001144763.2); c.934C>T, p.Arg312Ter (NM_001144764.2); c.838C>T, p.Arg280Ter (NM_001144765.2); c.1381C>T, p.Arg461Ter (NM_001308019.2); short protein forms R280*, R312*, R392*, R461*, R468*.
Identifiers: ClinVar variation 5007773 (VCV005007773.2), dbSNP rs370254735.
Genomic context (GRCh38, chr11:108,514,105, plus strand): 5'-AATGTCCTTTCTCTTGGCCCCAAAAAGGACCTTGTCCAAATCTCCTCTGTTCTCCGCTTC[G>A]TCCAAAGGTATTGCTGAAGAAAGATCTGGTAAATGTGTTGCTTTGATGGTAGAATGGCAT-3'

ClinVar aggregate classification (germline): Uncertain significance (1 of 4 stars; one submission).

Conditions:
Epidermolysis bullosa simplex 4, localized or generalized intermediate, autosomal recessive. Also called: Epidermolysis bullosa, nonspecific, autosomal recessive. Identifiers: Orphanet 412189, MedGen C3554367, MONDO:0014014, OMIM 615028.

gnomAD v4.1: 26 of 1,613,564 alleles (0.0016%); highest among the groups gnomAD compares: East Asian, 0.016%; no homozygotes.

Submission:

Juno Genomics, Hangzhou Juno Genomics, Inc
Classification: Uncertain significance for Epidermolysis bullosa simplex 4, localized or generalized intermediate, autosomal recessive. Review status: criteria provided, single submitter. Criteria: ACMG Guidelines, 2015. Collection method: clinical testing. Allele origin: germline.
Comment: Null variant in a gene where loss of function (LOF) is a known mechanism of disease.;Absent from controls (or at extremely low frequency if recessive) in Genome Aggregation Database.